The following is an entry in ClinVar:

ClinVar aggregate classification (germline): Uncertain significance (1 of 4 stars; one submission).

Conditions:
Inborn genetic diseases. Identifiers: MedGen C0950123, MeSH D030342.

Submission:

Ambry Genetics
Classification: Uncertain significance for Inborn genetic diseases. Last evaluated: 2024-12-20. Review status: criteria provided, single submitter. Criteria: Ambry Variant Classification Scheme 2023. Collection method: clinical testing. Allele origin: germline.
Comment: The p.R248G variant (also known as c.742C>G), located in coding exon 5 of the ELANE gene, results from a C to G substitution at nucleotide position 742. The arginine at codon 248 is replaced by glycine, an amino acid with dissimilar properties. This amino acid position is conserved. In addition, this alteration is predicted to be tolerated by in silico analysis. Based on the available evidence, the clinical significance of this variant remains unclear.

NM_001972.4(ELANE):c.742C>G (p.Arg248Gly)

Gene: ELANE (elastase, neutrophil expressed; plus strand). Cytogenetic location: 19p13.3.
Variant type: single nucleotide variant.
Coding change: c.742C>G on transcript NM_001972.4 (MANE Select); coding-DNA position 742, C replaced by G.
Protein change: p.Arg248Gly; replaces arginine 248 with glycine.
Molecular consequence: missense variant.
Genome position (GRCh38, 1-based): chr19:856,102, C>G. VCF-style: chr19-856102-C-G. GRCh37 (hg19) VCF-style: chr19-856102-C-G.
Other names: short protein forms R248G.
Identifiers: ClinVar variation 3844276 (VCV003844276.1).
Genomic context (GRCh38, chr19:856,102, plus strand): 5'-TACCCCGATGCCTTTGCCCCGGTGGCACAGTTTGTAAACTGGATCGACTCTATCATCCAA[C>G]GCTCCGAGGACAACCCCTGTCCCCACCCCCGGGACCCGGACCCGGCCAGCAGGACCCACT-3'
Protein context (NP_001963.1, residues 238-258): FVNWIDSIIQ[Arg248Gly]SEDNPCPHPR